The following is an entry in ClinVar:

NM_025137.4(SPG11):c.5275G>T (p.Ala1759Ser)

Genes: SPG11 (SPG11 vesicle trafficking associated, spatacsin; minus strand), LOC130056971 (ATAC-STARR-seq lymphoblastoid silent region 6398; plus strand). Cytogenetic location: 15q21.1.
Variant type: single nucleotide variant.
Coding change: c.5275G>T on transcript NM_025137.4 (MANE Select); coding-DNA position 5275, G replaced by T.
Protein change: p.Ala1759Ser; replaces alanine 1759 with serine.
Molecular consequence: missense variant.
Genome position (GRCh38, 1-based): chr15:44,584,405, C>A on the plus strand (G>T on the coding strand, the complement: SPG11 is on the minus strand). VCF-style: chr15-44584405-C-A. GRCh37 (hg19) VCF-style: chr15-44876603-C-A.
Other names: c.5275G>T, p.Ala1759Ser (NM_001160227.2); short protein forms A1759S.
Identifiers: ClinVar variation 1520828 (VCV001520828.5), dbSNP rs1346852806, ClinGen allele CA392222908.
Genomic context (GRCh38, chr15:44,584,405, plus strand): 5'-CCAAGGTGAGCAGCAGATGGCGCTCCTCCATGCTGCTCCATCCAGTTGGGTGCTCACATG[C>A]CACATGGGCCTGGGTTGAGAAAAAGGAAGAAGCTGCTTTGCTTGAAATTGAATTTTTCTT-3'
Protein context (NP_079413.3, residues 1749-1769): SSFFSTQAHV[Ala1759Ser]CEHPTGWSSM

ClinVar aggregate classification (germline): Uncertain significance. Review status: criteria provided, multiple submitters, no conflicts (2 of 4 stars). 2 submissions from 2 submitters: Uncertain significance (2). Last evaluated 2023-10-13.

Conditions:
Hereditary spastic paraplegia 11. Also called: Spastic Paraplegia 11; SPASTIC PARAPLEGIA, AUTOSOMAL RECESSIVE, COMPLICATED, WITH THIN CORPUS CALLOSUM; SPASTIC PARAPLEGIA, AUTOSOMAL RECESSIVE, WITH MENTAL IMPAIRMENT AND THIN CORPUS CALLOSUM; Nakamura Osame syndrome; Autosomal recessive hereditary spastic paraplegia, mental impairment, and thin corpus callosum; Spastic paraplegia, mental retardation and thin corpus callosum. Identifiers: Orphanet 2822, MedGen C1858479, MONDO:0011445, OMIM 604360.
Inborn genetic diseases. Identifiers: MedGen C0950123, MeSH D030342.

Allele frequency attached by ClinVar (database versions not stated): gnomAD exomes below 0.00001; gnomAD 0.00001; TOPMed 0.00001.
gnomAD v4.1: 3 of 1,613,974 alleles (0.00019%); highest among the groups gnomAD compares: Non-Finnish European, 0.00025%; no homozygotes.

Submissions (2):

Ambry Genetics
Classification: Uncertain significance for Inborn genetic diseases. Last evaluated: 2023-10-13. Review status: criteria provided, single submitter. Criteria: Ambry Variant Classification Scheme 2023. Collection method: clinical testing. Allele origin: germline.

Labcorp Genetics (formerly Invitae), Labcorp
Classification: Uncertain significance for Hereditary spastic paraplegia 11. Last evaluated: 2021-11-01. Review status: criteria provided, single submitter. Criteria: Invitae Variant Classification Sherloc (09022015). Collection method: clinical testing. Allele origin: germline.
Comment: This sequence change replaces alanine, which is neutral and non-polar, with serine, which is neutral and polar, at codon 1759 of the SPG11 protein (p.Ala1759Ser). This variant is present in population databases (no rsID available, gnomAD 0.002%). This variant has not been reported in the literature in individuals affected with SPG11-related conditions. Algorithms developed to predict the effect of missense changes on protein structure and function (SIFT, PolyPhen-2, Align-GVGD) all suggest that this variant is likely to be tolerated. In summary, the available evidence is currently insufficient to determine the role of this variant in disease. Therefore, it has been classified as a Variant of Uncertain Significance.